The following is an entry in ClinVar:

ClinVar aggregate classification (germline): Uncertain significance (1 of 4 stars; one submission).

Submission:

Labcorp Genetics (formerly Invitae), Labcorp
Classification: Uncertain significance. Last evaluated: 2025-05-06. Review status: criteria provided, single submitter. Criteria: Invitae Variant Classification Sherloc (09022015). Collection method: clinical testing. Allele origin: germline.
Comment: This variant, c.5469_5471del, results in the deletion of 1 amino acid(s) of the TECTA protein (p.Gly1824del), but otherwise preserves the integrity of the reading frame. This variant is not present in population databases (gnomAD no frequency). This variant has not been reported in the literature in individuals affected with TECTA-related conditions. Experimental studies and prediction algorithms are not available or were not evaluated, and the functional significance of this variant is currently unknown. In summary, the available evidence is currently insufficient to determine the role of this variant in disease. Therefore, it has been classified as a Variant of Uncertain Significance.

NM_005422.4(TECTA):c.5469_5471del (p.Gly1824del)

Genes: TBCEL-TECTA (TBCEL-TECTA readthrough; plus strand), TECTA (tectorin alpha; plus strand). Cytogenetic location: 11q23.3.
Variant type: Deletion.
Coding change: c.5469_5471del on transcript NM_005422.4 (MANE Select); coding-DNA positions 5469 to 5471, 3 bases deleted (CGG; older notation c.5469_5471delCGG).
Protein change: p.Gly1824del; deletes glycine 1824.
Molecular consequence: inframe deletion.
Genome position (GRCh38, 1-based): chr11:121,166,663-121,166,665, CGG deleted. VCF-style (leftmost placement, unchanged base first): chr11-121166662-TCGG-T. GRCh37 (hg19) VCF-style: chr11-121037371-TCGG-T.
Other names: c.6411_6413del, p.Gly2138del (NM_001378761.1); short protein forms G1824del, G2138del.
Identifiers: ClinVar variation 4719102 (VCV004719102.1).
Genomic context (GRCh38, chr11:121,166,662, plus strand): 5'-AGGTGACCTGCAAAGCAGCCCAAATGGAAGTGTCCATATCTAAGTGCAAGCTCTTCCAGC[TCGG>T]TTTTGAGAGGGAGGGCGTGAGGATCAATGACAGACAGTGCACCGGCATCGAGGGGGAAGA-3'